The following is an entry in ClinVar:

ClinVar aggregate classification (germline): Benign/Likely benign. Review status: criteria provided, multiple submitters, no conflicts (2 of 4 stars). 7 submissions from 7 submitters: Benign (2); Likely benign (5). Last evaluated 2025-09-01.

Conditions:
ITPR1-related disorder. Also called: ITPR1-related condition.
Autosomal dominant cerebellar ataxia. Also called: Spinocerebellar Ataxia, Dominant. Identifiers: Orphanet 99, MedGen C4087347, MONDO:0020380.

Allele frequency attached by ClinVar (database versions not stated): 1000 Genomes Project 30x 0.00016; 1000 Genomes Project 0.00020; gnomAD 0.00022 and 0.00025; gnomAD exomes 0.00025 and 0.00030; TOPMed 0.00030; ExAC 0.00036; ESP Exome Variant Server 0.00049.
gnomAD v4.1: 391 of 1,612,718 alleles (0.024%); highest among the groups gnomAD compares: South Asian, 0.13%; 3 homozygotes.

Submissions (7):

CeGaT Center for Human Genetics Tuebingen
Classification: Likely benign. Last evaluated: 2025-09-01. Review status: criteria provided, single submitter. Criteria: CeGaT Center For Human Genetics Tuebingen Variant Classification Criteria Version 2. Collection method: clinical testing. Allele origin: germline. Affected: yes. Observed: 1 variant allele.
Comment: ITPR1: BP4, BP7

PreventionGenetics, part of Exact Sciences
Classification: Likely benign for ITPR1-related condition. Last evaluated: 2025-08-07. Review status: criteria provided, single submitter. Criteria: ACMG Guidelines, 2015. Collection method: clinical testing. Allele origin: germline.
Comment: This variant is classified as likely benign based on ACMG/AMP sequence variant interpretation guidelines (Richards et al. 2015 PMID: 25741868, with internal and published modifications).

Labcorp Genetics (formerly Invitae), Labcorp
Classification: Benign. Last evaluated: 2025-04-17. Review status: criteria provided, single submitter. Criteria: Invitae Variant Classification Sherloc (09022015). Collection method: clinical testing. Allele origin: germline.

Blueprint Genetics
Classification: Likely benign. Last evaluated: 2024-08-29. Review status: criteria provided, single submitter. Criteria: ACMG Guidelines, 2015. Collection method: clinical testing. Allele origin: germline.

GeneDx
Classification: Likely benign. Last evaluated: 2021-05-12. Review status: criteria provided, single submitter. Criteria: GeneDx Variant Classification Process June 2021. Collection method: clinical testing. Allele origin: germline. Affected: yes.

Illumina Laboratory Services, Illumina
Classification: Benign for Spinocerebellar Ataxia, Dominant. Last evaluated: 2018-01-13. Review status: criteria provided, single submitter. Criteria: ICSL Variant Classification Criteria 13 December 2019. Collection method: clinical testing. Allele origin: germline.
Comment: This variant was observed in the ICSL laboratory as part of a predisposition screen in an ostensibly healthy population. It had not been previously curated by ICSL or reported in the Human Gene Mutation Database (HGMD: prior to June 1st, 2018), and was therefore a candidate for classification through an automated scoring system. Utilizing variant allele frequency, disease prevalence and penetrance estimates, and inheritance mode, an automated score was calculated to assess if this variant is too frequent to cause the disease. Based on the score and internal cut-off values, a variant classified as benign is not then subjected to further curation. The score for this variant resulted in a classification of benign for this disease.

Breakthrough Genomics
Classification: Likely benign. Review status: criteria provided, single submitter. Criteria: ACMG Guidelines, 2015. Collection method: not provided. Allele origin: germline. Inheritance: Autosomal dominant inheritance. Affected: yes.

NM_001378452.1(ITPR1):c.882C>T (p.Gly294=)

Gene: ITPR1 (inositol 1,4,5-trisphosphate receptor type 1; plus strand). Cytogenetic location: 3p26.1.
Variant type: single nucleotide variant.
Coding change: c.882C>T on transcript NM_001378452.1 (MANE Select); coding-DNA position 882, C replaced by T.
Protein change: p.Gly294=; no amino-acid change (glycine 294 retained).
Molecular consequence: synonymous variant.
Genome position (GRCh38, 1-based): chr3:4,652,149, C>T. VCF-style: chr3-4652149-C-T. GRCh37 (hg19) VCF-style: chr3-4693833-C-T.
Other names: c.882C>T, p.Gly294= (NM_001099952.4, NM_001168272.2, NM_002222.7).
Identifiers: ClinVar variation 345583 (VCV000345583.25), dbSNP rs370157764, ClinGen allele CA2231009.